The following is an entry in ClinVar:

NC_000013.10:g.(?_77574631)_(77577159_?)del

Gene: CLN5 (CLN5 lysosomal BMP synthase; plus strand). Cytogenetic location: 13q22.3.
Variant type: Deletion.
Identifiers: ClinVar variation 3244118 (VCV003244118.1).

ClinVar aggregate classification (germline): Pathogenic (1 of 4 stars; one submission).

Conditions:
Neuronal ceroid lipofuscinosis. Also called: Neuronal Ceroid Lipofuscinoses. Identifiers: Orphanet 216, Orphanet 79263, MedGen C0027877, MONDO:0016295. Disease mechanism: loss of function.

Submission:

Labcorp Genetics (formerly Invitae), Labcorp
Classification: Pathogenic for Neuronal ceroid lipofuscinosis. Last evaluated: 2023-11-05. Review status: criteria provided, single submitter. Criteria: Invitae Variant Classification Sherloc (09022015). Collection method: clinical testing. Allele origin: unknown.
Comment: This variant results in the deletion of part of exon 4 (c.751_*2055del) of the CLN5 gene. While this deletion is not anticipated to lead to nonsense mediated decay, it is expected to alter mRNA translation or result in a truncated protein product. This variant has not been reported in the literature in individuals affected with CLN5-related conditions. This variant disrupts a region of the CLN5 protein in which other variant(s) (p.Tyr392*) have been determined to be pathogenic (PMID: 9662406, 20052765, 24038957). This suggests that this is a clinically significant region of the protein, and that variants that disrupt it are likely to be disease-causing. For these reasons, this variant has been classified as Pathogenic.

Literature cited by the submitters: PubMed 9662406; PubMed 20052765; PubMed 24038957.